The following is an entry in ClinVar:

NM_001009944.3(PKD1):c.7019T>C (p.Leu2340Pro)

Gene: PKD1 (polycystin 1, transient receptor potential channel interacting; minus strand). Cytogenetic location: 16p13.3.
Variant type: single nucleotide variant.
Coding change: c.7019T>C on transcript NM_001009944.3 (MANE Select); coding-DNA position 7019, T replaced by C.
Protein change: p.Leu2340Pro; replaces leucine 2340 with proline.
Molecular consequence: missense variant.
Genome position (GRCh38, 1-based): chr16:2,107,929, A>G on the plus strand (T>C on the coding strand, the complement: PKD1 is on the minus strand). VCF-style: chr16-2107929-A-G. GRCh37 (hg19) VCF-style: chr16-2157930-A-G.
Other names: c.7019T>C, p.Leu2340Pro (NM_000296.4); short protein forms L2340P.
Identifiers: ClinVar variation 3372298 (VCV003372298.1).
Genomic context (GRCh38, chr16:2,107,929, plus strand): 5'-CGGGCGGCACCCACCGTCTGGTTGGTGGCCTCCTCCTTGCGGCCGGCCTTCCACACGGTC[A>G]GGCTGAAGGTGTACTCCACGCCAGCCGCCAGCCGCTCCCGTGGAATGGTGACCGTGCTGC-3'
Protein context (NP_001009944.3, residues 2330-2350): LAAGVEYTFS[Leu2340Pro]TVWKAGRKEE

ClinVar aggregate classification (germline): Uncertain significance (1 of 4 stars; one submission).

Submission:

GeneDx
Classification: Uncertain significance. Last evaluated: 2024-04-19. Review status: criteria provided, single submitter. Criteria: GeneDx Variant Classification Process June 2021. Collection method: clinical testing. Allele origin: germline. Affected: yes.
Comment: Not observed at significant frequency in large population cohorts (gnomAD); In silico analysis supports that this missense variant has a deleterious effect on protein structure/function; Has not been previously published as pathogenic or benign to our knowledge